The following is an entry in ClinVar:

ClinVar aggregate classification (germline): Likely benign (1 of 4 stars; one submission).

Conditions:
DYNC1H1-related disorder. Also called: DYNC1H1-related disorders; DYNC1H1-related condition. Identifiers: MedGen CN381529.

gnomAD v4.1: 12 of 1,567,528 alleles (0.00077%); highest among the groups gnomAD compares: Admixed American, 0.015%; no homozygotes.

Submission:

PreventionGenetics, part of Exact Sciences
Classification: Likely benign for DYNC1H1-related condition. Last evaluated: 2025-07-15. Review status: criteria provided, single submitter. Criteria: ACMG Guidelines, 2015. Collection method: clinical testing. Allele origin: germline.
Comment: This variant is classified as likely benign based on ACMG/AMP sequence variant interpretation guidelines (Richards et al. 2015 PMID: 25741868, with internal and published modifications).

NM_001376.5(DYNC1H1):c.7473+39C>T

Gene: DYNC1H1 (dynein cytoplasmic 1 heavy chain 1; plus strand). Cytogenetic location: 14q32.31.
Variant type: single nucleotide variant.
Coding change: c.7473+39C>T on transcript NM_001376.5 (MANE Select); 39 bases into the intron after coding-DNA position 7473, C replaced by T.
Molecular consequence: intron variant.
Genome position (GRCh38, 1-based): chr14:102,016,125, C>T. VCF-style: chr14-102016125-C-T. GRCh37 (hg19) VCF-style: chr14-102482462-C-T.
Identifiers: ClinVar variation 4985948 (VCV004985948.1).
Genomic context (GRCh38, chr14:102,016,125, plus strand): 5'-GCAGCTGGAGCGCTACATTCAGGTCAGGGGGCATCAGGGGCTTCACAGAGCTCACCACTG[C>T]GCCAGACCACAGGTCTGAGGACCTCTGAAATGCTGCACCTGTGGGGATGTGCGCTCTCTC-3'